The following is an entry in ClinVar:

ClinVar aggregate classification (germline): Uncertain significance (1 of 4 stars; one submission).

Conditions:
Combined immunodeficiency due to DOCK8 deficiency (HIES2). Also called: HYPER-IgE SYNDROME 2, AUTOSOMAL RECESSIVE, WITH RECURRENT INFECTIONS; DOCK8 Deficiency; Hyper-IgE recurrent infection syndrome, autosomal recessive; HIES autosomal recessive; HYPER-IgE RECURRENT INFECTION SYNDROME 2, AUTOSOMAL RECESSIVE. Identifiers: Orphanet 217390, MedGen C4722305, MONDO:0009478, OMIM 243700.

gnomAD v4.1: 3 of 1,614,192 alleles (0.00019%); highest among the groups gnomAD compares: South Asian, 0.0011%; no homozygotes.

Submission:

Labcorp Genetics (formerly Invitae), Labcorp
Classification: Uncertain significance for Combined immunodeficiency due to DOCK8 deficiency. Last evaluated: 2024-05-15. Review status: criteria provided, single submitter. Criteria: Invitae Variant Classification Sherloc (09022015). Collection method: clinical testing. Allele origin: germline.
Comment: This sequence change replaces leucine, which is neutral and non-polar, with serine, which is neutral and polar, at codon 408 of the DOCK8 protein (p.Leu408Ser). This variant is present in population databases (rs762325480, gnomAD 0.01%). This variant has not been reported in the literature in individuals affected with DOCK8-related conditions. Advanced modeling of protein sequence and biophysical properties (such as structural, functional, and spatial information, amino acid conservation, physicochemical variation, residue mobility, and thermodynamic stability) performed at Invitae indicates that this missense variant is not expected to disrupt DOCK8 protein function with a negative predictive value of 80%. In summary, the available evidence is currently insufficient to determine the role of this variant in disease. Therefore, it has been classified as a Variant of Uncertain Significance.

NM_203447.4(DOCK8):c.1223T>C (p.Leu408Ser)

Gene: DOCK8 (dedicator of cytokinesis 8; plus strand). Cytogenetic location: 9p24.3.
Variant type: single nucleotide variant.
Coding change: c.1223T>C on transcript NM_203447.4 (MANE Select); coding-DNA position 1223, T replaced by C.
Protein change: p.Leu408Ser; replaces leucine 408 with serine.
Molecular consequence: missense variant.
Genome position (GRCh38, 1-based): chr9:334,322, T>C. VCF-style: chr9-334322-T-C. GRCh37 (hg19) VCF-style: chr9-334322-T-C.
Other names: c.1019T>C, p.Leu340Ser (NM_001190458.2, NM_001193536.2); short protein forms L340S, L408S.
Identifiers: ClinVar variation 3704955 (VCV003704955.2).